The following is an entry in ClinVar:

ClinVar aggregate classification (germline): Uncertain significance (1 of 4 stars; one submission).

Conditions:
Evans syndrome, immunodeficiency, and premature immunosenescence associated with tripeptidyl-peptidase II deficiency. Identifiers: MedGen CN231723. Disease mechanism: loss of function.

Submission:

Labcorp Genetics (formerly Invitae), Labcorp
Classification: Uncertain significance for Evans syndrome, immunodeficiency, and premature immunosenescence associated with tripeptidyl-peptidase II deficiency. Last evaluated: 2019-08-18. Review status: criteria provided, single submitter. Criteria: Invitae Variant Classification Sherloc (09022015). Collection method: clinical testing. Allele origin: germline.
Comment: In summary, the available evidence is currently insufficient to determine the role of this variant in disease. Therefore, it has been classified as a Variant of Uncertain Significance. This sequence change replaces lysine with glutamine at codon 832 of the TPP2 protein (p.Lys832Gln). The lysine residue is highly conserved and there is a small physicochemical difference between lysine and glutamine. This variant is not present in population databases (ExAC no frequency). This variant has not been reported in the literature in individuals with TPP2-related conditions. Algorithms developed to predict the effect of missense changes on protein structure and function (SIFT, PolyPhen-2, Align-GVGD) all suggest that this variant is likely to be disruptive, but these predictions have not been confirmed by published functional studies and their clinical significance is uncertain.

NM_001330588.2(TPP2):c.2494A>C (p.Lys832Gln)

Gene: TPP2 (tripeptidyl peptidase 2; plus strand). Cytogenetic location: 13q33.1.
Variant type: single nucleotide variant.
Coding change: c.2494A>C on transcript NM_001330588.2 (MANE Select); coding-DNA position 2494, A replaced by C.
Protein change: p.Lys832Gln; replaces lysine 832 with glutamine.
Molecular consequence: missense variant. On other transcripts: non-coding transcript variant (1).
Genome position (GRCh38, 1-based): chr13:102,647,210, A>C. VCF-style: chr13-102647210-A-C. GRCh37 (hg19) VCF-style: chr13-103299560-A-C.
Other names: c.2494A>C, p.Lys832Gln (NM_001367947.1, NM_003291.4); short protein forms K832Q.
Identifiers: ClinVar variation 939011 (VCV000939011.9), dbSNP rs1883167743, ClinGen allele CA388499199.